The following is an entry in ClinVar:

ClinVar aggregate classification (germline): Uncertain significance (1 of 4 stars; one submission).

Conditions:
ABCC2-related disorder. Also called: ABCC2-related condition.

gnomAD v4.1: 6 of 1,613,890 alleles (0.00037%); highest among the groups gnomAD compares: African/African-American, 0.0013%; no homozygotes.

Submission:

PreventionGenetics, part of Exact Sciences
Classification: Uncertain significance for ABCC2-related condition. Last evaluated: 2025-10-13. Review status: criteria provided, single submitter. Criteria: ACMG Guidelines, 2015. Collection method: clinical testing. Allele origin: germline.
Comment: The ABCC2 c.869A>G variant is predicted to result in the amino acid substitution p.Glu290Gly. To our knowledge, this variant has not been reported in the literature. This variant is reported in 0.011% of alleles in individuals of African descent in gnomAD. At this time, the clinical significance of this variant is uncertain due to the absence of conclusive functional and genetic evidence.

NM_000392.5(ABCC2):c.869A>G (p.Glu290Gly)

Gene: ABCC2 (ATP binding cassette subfamily C member 2; plus strand). Cytogenetic location: 10q24.2.
Variant type: single nucleotide variant.
Coding change: c.869A>G on transcript NM_000392.5 (MANE Select); coding-DNA position 869, A replaced by G.
Protein change: p.Glu290Gly; replaces glutamic acid 290 with glycine.
Molecular consequence: missense variant.
Genome position (GRCh38, 1-based): chr10:99,799,208, A>G. VCF-style: chr10-99799208-A-G. GRCh37 (hg19) VCF-style: chr10-101558965-A-G.
Other names: short protein forms E290G.
Identifiers: ClinVar variation 4985085 (VCV004985085.1).